The following is an entry in ClinVar:

ClinVar aggregate classification (germline): Uncertain significance (1 of 4 stars; one submission).

Submission:

CeGaT Center for Human Genetics Tuebingen
Classification: Uncertain significance. Last evaluated: 2026-04-01. Review status: criteria provided, single submitter. Criteria: CeGaT Center For Human Genetics Tuebingen Variant Classification Criteria Version 2. Collection method: clinical testing. Allele origin: germline. Affected: yes. Observed: 1 variant allele.
Comment: CERT1: PM2

NM_001379029.1(CERT1):c.-120_-116dup

Genes: CERT1 (ceramide transporter 1; minus strand), POLK (DNA polymerase kappa; plus strand). Cytogenetic location: 5q13.3.
Variant type: Duplication.
Coding change: c.-120_-116dup on transcript NM_001379029.1 (MANE Select); 120 bases upstream of the start codon through 116 bases upstream of the start codon, 5 bases duplicated (ACACC; older notation c.-120_-116dupACACC).
Molecular consequence: 5 prime UTR variant. On other transcripts: frameshift variant (1).
Genome position (GRCh38, 1-based): chr5:75,511,323-75,511,327, GGTGT duplicated on the plus strand (ACACC on the coding strand, the reverse complement: CERT1 is on the minus strand); duplicating any 5 consecutive bases within chr5:75,511,323-75,511,329 gives the same sequence; the c. name uses the placement nearest the transcript's 3' end. VCF-style (leftmost placement, unchanged base first): chr5-75511322-C-CGGTGT. GRCh37 (hg19) VCF-style: chr5-74807147-C-CGGTGT.
Other names: c.265_269dup, p.Glu91fs (NM_001130105.1); c.-120_-116dup (NM_001379002.1, NM_001379003.1, NM_001379004.1 and 2 more transcripts); short protein forms E91fs.
Identifiers: ClinVar variation 4874481 (VCV004874481.2).
Genomic context (GRCh38, chr5:75,511,322, plus strand): 5'-GGAGGCGCCCAGTCCTCGGGGTGAAGGGTCGGGGGATGGCGAAGCGAAGAGTGCCCGCTC[C>CGGTGT]GGTGTGGGGGGGAGCAGGAGGAGGGACGAAGTCCGCCCGCCGCGCCGCCGCCGCGCCTGA-3'